The following is an entry in ClinVar:

ClinVar aggregate classification (germline): Likely benign. Review status: criteria provided, multiple submitters, no conflicts (2 of 4 stars). 2 submissions from 2 submitters: Likely benign (2). Last evaluated 2025-09-12.

Conditions:
Malignant hyperthermia, susceptibility to, 5 (MHS5). Also called: CACNA1S-Related Malignant Hyperthermia Susceptibility. Identifiers: Orphanet 423, MedGen C1866077, MONDO:0011163, OMIM 601887.
Hypokalemic periodic paralysis, type 1. Also called: Hypokalemic Periodic Paralysis Type 1 (AD); HypoPP. Identifiers: Orphanet 681, MedGen C3714580, MONDO:0042979, OMIM 170400.

Allele frequency attached by ClinVar (database versions not stated): gnomAD exomes below 0.00001 and 0.00001; gnomAD 0.00001.
gnomAD v4.1: 4 of 1,614,074 alleles (0.00025%); highest among the groups gnomAD compares: Admixed American, 0.0017%; no homozygotes.

Submissions (2):

Labcorp Genetics (formerly Invitae), Labcorp
Classification: Likely benign for Hypokalemic periodic paralysis, type 1; Malignant hyperthermia, susceptibility to, 5. Last evaluated: 2025-09-12. Review status: criteria provided, single submitter. Criteria: Invitae Variant Classification Sherloc (09022015). Collection method: clinical testing. Allele origin: germline.

All of Us Research Program, National Institutes of Health
Classification: Likely benign for Malignant hyperthermia, susceptibility to, 5. Last evaluated: 2023-11-02. Review status: criteria provided, single submitter. Criteria: ACMG Guidelines, 2015. Collection method: clinical testing. Allele origin: germline. Inheritance: Autosomal dominant inheritance. Observed: 1 variant allele, 1 heterozygote.
Comment: This study involves interpretation of variants in research participants for the purpose of population health screening. Participant phenotype was not available at the time of variant classification. Additional details can be found in publication PMID: 35346344, PMCID: PMC8962531

NM_000069.3(CACNA1S):c.1323C>T (p.Ile441=)

Gene: CACNA1S (calcium voltage-gated channel subunit alpha1 S; minus strand). Cytogenetic location: 1q32.1.
Variant type: single nucleotide variant.
Coding change: c.1323C>T on transcript NM_000069.3 (MANE Select); coding-DNA position 1323, C replaced by T.
Protein change: p.Ile441=; no amino-acid change (isoleucine 441 retained).
Molecular consequence: synonymous variant.
Genome position (GRCh38, 1-based): chr1:201,083,232, G>A on the plus strand (C>T on the coding strand, the complement: CACNA1S is on the minus strand). VCF-style: chr1-201083232-G-A. GRCh37 (hg19) VCF-style: chr1-201052360-G-A.
Identifiers: ClinVar variation 746907 (VCV000746907.9), dbSNP rs1236795297, ClinGen allele CA422691688.
Genomic context (GRCh38, chr1:201,083,232, plus strand): 5'-GGTCAGCCAGAGAGGCTGGTTGTGGTGCTCTGAGGCGATAGACAGGGTGTTGAGGGCAAC[G>A]ATGAGAATCACCAGCCAATAGAAGACCTTGGACTTCACGATGTCATGGCACTTCCAGCGA-3'
Protein context (NP_000060.2, residues 431-451): SKVFYWLVIL[Ile441=]VALNTLSIAS